The following is an entry in ClinVar:

NM_021942.6(TRAPPC11):c.1534T>C (p.Tyr512His)

Gene: TRAPPC11 (trafficking protein particle complex subunit 11; plus strand). Cytogenetic location: 4q35.1.
Variant type: single nucleotide variant.
Coding change: c.1534T>C on transcript NM_021942.6 (MANE Select); coding-DNA position 1534, T replaced by C.
Protein change: p.Tyr512His; replaces tyrosine 512 with histidine.
Molecular consequence: missense variant.
Genome position (GRCh38, 1-based): chr4:183,684,808, T>C. VCF-style: chr4-183684808-T-C. GRCh37 (hg19) VCF-style: chr4-184605961-T-C.
Other names: c.1534T>C, p.Tyr512His (NM_199053.3); short protein forms Y512H.
Identifiers: ClinVar variation 5009983 (VCV005009983.1).

ClinVar aggregate classification (germline): Uncertain significance (1 of 4 stars; one submission).

gnomAD v4.1: 1 of 1,613,884 alleles (0.000062%); highest among the groups gnomAD compares: African/African-American, 0.0013%; no homozygotes.

Submission:

GeneDx
Classification: Uncertain significance. Last evaluated: 2026-02-25. Review status: criteria provided, single submitter. Criteria: GeneDx Variant Classification Process June 2021. Collection method: clinical testing. Allele origin: germline.
Comment: Not observed at significant frequency in large population cohorts (gnomAD); In silico analysis supports that this missense variant has a deleterious effect on protein structure/function; Has not been previously published as pathogenic or benign to our knowledge